The following is an entry in ClinVar:

NM_001457.4(FLNB):c.3445G>T (p.Gly1149Cys)

Gene: FLNB (filamin B; plus strand). Cytogenetic location: 3p14.3.
Variant type: single nucleotide variant.
Coding change: c.3445G>T on transcript NM_001457.4 (MANE Select); coding-DNA position 3445, G replaced by T.
Protein change: p.Gly1149Cys; replaces glycine 1149 with cysteine.
Molecular consequence: missense variant.
Genome position (GRCh38, 1-based): chr3:58,123,411, G>T. VCF-style: chr3-58123411-G-T. GRCh37 (hg19) VCF-style: chr3-58109138-G-T.
Other names: c.3445G>T, p.Gly1149Cys (NM_001164317.2, NM_001164318.2, NM_001164319.2); short protein forms G1149C.
Identifiers: ClinVar variation 4801706 (VCV004801706.1).

ClinVar aggregate classification (germline): Uncertain significance (1 of 4 stars; one submission).

Submission:

Labcorp Genetics (formerly Invitae), Labcorp
Classification: Uncertain significance. Last evaluated: 2025-02-15. Review status: criteria provided, single submitter. Criteria: Invitae Variant Classification Sherloc (09022015). Collection method: clinical testing. Allele origin: germline.
Comment: This sequence change replaces glycine, which is neutral and non-polar, with cysteine, which is neutral and slightly polar, at codon 1149 of the FLNB protein (p.Gly1149Cys). This variant is not present in population databases (gnomAD no frequency). This variant has not been reported in the literature in individuals affected with FLNB-related conditions. Invitae Evidence Modeling of protein sequence and biophysical properties (such as structural, functional, and spatial information, amino acid conservation, physicochemical variation, residue mobility, and thermodynamic stability) indicates that this missense variant is not expected to disrupt FLNB protein function with a negative predictive value of 95%. In summary, the available evidence is currently insufficient to determine the role of this variant in disease. Therefore, it has been classified as a Variant of Uncertain Significance.